The following is an entry in ClinVar:

NM_020693.4(DSCAML1):c.3421G>A (p.Glu1141Lys)

Gene: DSCAML1 (DS cell adhesion molecule like 1; minus strand). Cytogenetic location: 11q23.3.
Variant type: single nucleotide variant.
Coding change: c.3421G>A on transcript NM_020693.4 (MANE Select); coding-DNA position 3421, G replaced by A.
Protein change: p.Glu1141Lys; replaces glutamic acid 1141 with lysine.
Molecular consequence: missense variant.
Genome position (GRCh38, 1-based): chr11:117,458,901, C>T on the plus strand (G>A on the coding strand, the complement: DSCAML1 is on the minus strand). VCF-style: chr11-117458901-C-T. GRCh37 (hg19) VCF-style: chr11-117329617-C-T.
Other names: short protein forms E1141K.
Identifiers: ClinVar variation 2147729 (VCV002147729.4), dbSNP rs200635752, ClinGen allele CA6296686.

ClinVar aggregate classification (germline): Uncertain significance (1 of 4 stars; one submission).

Allele frequency attached by ClinVar (database versions not stated): gnomAD 0.00006; TOPMed 0.00008; gnomAD exomes 0.00009; ExAC 0.00014; 1000 Genomes Project 30x 0.00016; 1000 Genomes Project 0.00020.
gnomAD v4.1: 132 of 1,613,450 alleles (0.0082%); highest among the groups gnomAD compares: East Asian, 0.26%; no homozygotes.

Submission:

Labcorp Genetics (formerly Invitae), Labcorp
Classification: Uncertain significance. Last evaluated: 2024-10-16. Review status: criteria provided, single submitter. Criteria: Invitae Variant Classification Sherloc (09022015). Collection method: clinical testing. Allele origin: germline.
Comment: This sequence change replaces glutamic acid, which is acidic and polar, with lysine, which is basic and polar, at codon 1201 of the DSCAML1 protein (p.Glu1201Lys). This variant is present in population databases (rs200635752, gnomAD 0.1%), and has an allele count higher than expected for a pathogenic variant. This variant has not been reported in the literature in individuals affected with DSCAML1-related conditions. ClinVar contains an entry for this variant (Variation ID: 2147729). An algorithm developed to predict the effect of missense changes on protein structure and function (PolyPhen-2) suggests that this variant is likely to be disruptive. In summary, the available evidence is currently insufficient to determine the role of this variant in disease. Therefore, it has been classified as a Variant of Uncertain Significance.